The following is an entry in ClinVar:

NM_000059.4(BRCA2):c.622_626dup (p.Ile210fs)

Gene: BRCA2 (BRCA2 DNA repair associated; plus strand). Cytogenetic location: 13q13.1.
Variant type: Duplication.
Coding change: c.622_626dup on transcript NM_000059.4 (MANE Select); coding-DNA positions 622 to 626, 5 bases duplicated (GTGCT; older notation c.622_626dupGTGCT).
Protein change: p.Ile210fs; shifts the reading frame from isoleucine 210.
Molecular consequence: frameshift variant.
Genome position (GRCh38, 1-based): chr13:32,326,604-32,326,608, GTGCT duplicated; duplicating any 5 consecutive bases within chr13:32,326,602-32,326,608 gives the same sequence; the c. name uses the placement nearest the transcript's 3' end. VCF-style (leftmost placement, unchanged base first): chr13-32326601-A-ACTGTG. GRCh37 (hg19) VCF-style: chr13-32900738-A-ACTGTG.
Other names: c.622_626dup, p.Ile210Cysfs (NM_001406719.1, NM_001406720.1, NM_001406721.1); c.253_257dup, p.Ile87Cysfs (NM_001406722.1); c.622_626dupGTGCT (NM_000059.3); short protein forms I210fs.
Identifiers: ClinVar variation 1752296 (VCV001752296.2), dbSNP rs2548515825, ClinGen allele CA2580087040.

ClinVar aggregate classification (germline): Pathogenic (1 of 4 stars; one submission).

Conditions:
Hereditary cancer-predisposing syndrome. Also called: Hereditary Cancer Syndrome; Hereditary neoplastic syndrome; Neoplastic Syndromes, Hereditary; Tumor predisposition. Identifiers: Orphanet 140162, MedGen C0027672, MeSH D009386, MONDO:0015356.

Submission:

Ambry Genetics
Classification: Pathogenic for Hereditary cancer-predisposing syndrome. Last evaluated: 2019-05-30. Review status: criteria provided, single submitter. Criteria: Ambry Variant Classification Scheme 2023. Collection method: clinical testing. Allele origin: germline.
Comment: The c.622_626dupGTGCT variant, located in coding exon 6 of the BRCA2 gene, results from a duplication of GTGCT at nucleotide position 622, causing a translational frameshift with a predicted alternate stop codon (p.I210Cfs*3). This alteration is expected to result in loss of function by premature protein truncation or nonsense-mediated mRNA decay. As such, this alteration is interpreted as a disease-causing mutation.